The following is an entry in ClinVar:

ClinVar aggregate classification (germline): Uncertain significance (1 of 4 stars; one submission).

Conditions:
Bloom syndrome (BLM). Also called: Bloom-Torre-Machacek syndrome. Identifiers: Orphanet 125, MedGen C0005859, MONDO:0008876, OMIM 210900.

Submission:

Labcorp Genetics (formerly Invitae), Labcorp
Classification: Uncertain significance for Bloom syndrome. Last evaluated: 2025-04-08. Review status: criteria provided, single submitter. Criteria: Invitae Variant Classification Sherloc (09022015). Collection method: clinical testing. Allele origin: germline.
Comment: This sequence change replaces asparagine, which is neutral and polar, with histidine, which is basic and polar, at codon 46 of the BLM protein (p.Asn46His). This variant is not present in population databases (gnomAD no frequency). This variant has not been reported in the literature in individuals affected with BLM-related conditions. An algorithm developed to predict the effect of missense changes on protein structure and function (PolyPhen-2) suggests that this variant is likely to be tolerated. In summary, the available evidence is currently insufficient to determine the role of this variant in disease. Therefore, it has been classified as a Variant of Uncertain Significance.

NM_000057.4(BLM):c.136A>C (p.Asn46His)

Gene: BLM (BLM RecQ like helicase; plus strand). Cytogenetic location: 15q26.1.
Variant type: single nucleotide variant.
Coding change: c.136A>C on transcript NM_000057.4 (MANE Select); coding-DNA position 136, A replaced by C.
Protein change: p.Asn46His; replaces asparagine 46 with histidine.
Molecular consequence: missense variant. On other transcripts: 5 prime UTR variant (1).
Genome position (GRCh38, 1-based): chr15:90,749,404, A>C. VCF-style: chr15-90749404-A-C. GRCh37 (hg19) VCF-style: chr15-91292634-A-C.
Other names: c.136A>C, p.Asn46His (NM_001287246.2, NM_001287247.2); c.-1156A>C (NM_001287248.2); short protein forms N46H.
Identifiers: ClinVar variation 4803332 (VCV004803332.1).